The following is an entry in ClinVar:

NM_054012.4(ASS1):c.533C>T (p.Pro178Leu)

Gene: ASS1 (argininosuccinate synthase 1; plus strand). Cytogenetic location: 9q34.11.
Variant type: single nucleotide variant.
Coding change: c.533C>T on transcript NM_054012.4 (MANE Select); coding-DNA position 533, C replaced by T.
Protein change: p.Pro178Leu; replaces proline 178 with leucine.
Molecular consequence: missense variant.
Genome position (GRCh38, 1-based): chr9:130,470,871, C>T. VCF-style: chr9-130470871-C-T. GRCh37 (hg19) VCF-style: chr9-133346258-C-T.
Other names: c.533C>T, p.Pro178Leu (NM_000050.4); short protein forms P178L.
Identifiers: ClinVar variation 1020538 (VCV001020538.29), dbSNP rs768846877, ClinGen allele CA5283335.

ClinVar aggregate classification (germline): Uncertain significance. Review status: criteria provided, multiple submitters, no conflicts (2 of 4 stars). 5 submissions from 5 submitters: Uncertain significance (4). 1 of the submissions does not count toward it. Last evaluated 2025-09-26.

Conditions:
Citrullinemia type I (CTNL1). Also called: ASS DEFICIENCY; argininosuccinate synthetase deficiency. Identifiers: Orphanet 247525, MedGen C4721769, MONDO:0008988, OMIM 215700.
Inborn genetic diseases. Identifiers: MedGen C0950123, MeSH D030342.
Citrullinemia. Identifiers: Orphanet 187, MedGen C0175683, MONDO:0015991.

Allele frequency attached by ClinVar (database versions not stated): ExAC 0.00001; gnomAD exomes 0.00001 and 0.00002; gnomAD 0.00003 and 0.00004; TOPMed 0.00003.
gnomAD v4.1: 21 of 1,614,030 alleles (0.0013%); highest among the groups gnomAD compares: Middle Eastern, 0.033%; no homozygotes.

Submissions (5):

Labcorp Genetics (formerly Invitae), Labcorp
Classification: Uncertain significance for Citrullinemia. Last evaluated: 2025-09-26. Review status: criteria provided, single submitter. Criteria: Invitae Variant Classification Sherloc (09022015). Collection method: clinical testing. Allele origin: germline.
Comment: This sequence change replaces proline, which is neutral and non-polar, with leucine, which is neutral and non-polar, at codon 178 of the ASS1 protein (p.Pro178Leu). This variant is present in population databases (rs768846877, gnomAD 0.004%). This missense change has been observed in individual(s) with clinical features of citrullinemia (internal data). In at least one individual the data is consistent with being in trans (on the opposite chromosome) from a pathogenic variant. ClinVar contains an entry for this variant (Variation ID: 1020538). Invitae Evidence Modeling of protein sequence and biophysical properties (such as structural, functional, and spatial information, amino acid conservation, physicochemical variation, residue mobility, and thermodynamic stability) has been performed for this missense variant. However, the output from this modeling did not meet the statistical confidence thresholds required to predict the impact of this variant on ASS1 protein function. In summary, the available evidence is currently insufficient to determine the role of this variant in disease. Therefore, it has been classified as a Variant of Uncertain Significance.

Ambry Genetics
Classification: Uncertain significance for Inborn genetic diseases. Last evaluated: 2023-12-26. Review status: criteria provided, single submitter. Criteria: Ambry Variant Classification Scheme 2023. Collection method: clinical testing. Allele origin: germline.

CeGaT Center for Human Genetics Tuebingen
Classification: Uncertain significance. Last evaluated: 2023-11-01. Review status: criteria provided, single submitter. Criteria: CeGaT Center For Human Genetics Tuebingen Variant Classification Criteria Version 2. Collection method: clinical testing. Allele origin: germline. Affected: yes. Observed: 1 variant allele.

Fulgent Genetics
Classification: Uncertain significance for Citrullinemia type I. Last evaluated: 2022-01-13. Review status: criteria provided, single submitter. Criteria: ACMG Guidelines, 2015. Collection method: clinical testing. Allele origin: unknown.

Natera, Inc.
Classification: Uncertain significance for Citrullinemia type I. Last evaluated: 2020-05-19. Review status: no assertion criteria provided. Collection method: clinical testing. Allele origin: germline. Not counted in ClinVar's aggregate classification.